The following is an entry in ClinVar:

ClinVar aggregate classification (germline): Benign. Review status: criteria provided, multiple submitters, no conflicts (2 of 4 stars). 3 submissions from 3 submitters: Benign (2). 1 of the submissions does not count toward it. Last evaluated 2026-02-01.

Conditions:
TONSL-related disorder. Also called: TONSL-related condition.

Allele frequency attached by ClinVar (database versions not stated): ESP Exome Variant Server 0.00062; gnomAD exomes 0.00203 and 0.00952; gnomAD 0.00361 and 0.00368; 1000 Genomes Project 30x 0.00609; 1000 Genomes Project 0.00619; ExAC 0.00752; TOPMed 0.00811.
gnomAD v4.1: 3,521 of 1,612,244 alleles (0.22%); highest among the groups gnomAD compares: Admixed American, 5.6%; 112 homozygotes.

Submissions (3):

Labcorp Genetics (formerly Invitae), Labcorp
Classification: Benign. Last evaluated: 2026-02-01. Review status: criteria provided, single submitter. Criteria: Invitae Variant Classification Sherloc (09022015). Collection method: clinical testing. Allele origin: germline.

Breakthrough Genomics
Classification: Benign. Review status: criteria provided, single submitter. Criteria: ACMG Guidelines, 2015. Collection method: not provided. Allele origin: germline. Inheritance: Autosomal recessive inheritance. Affected: yes.

PreventionGenetics, part of Exact Sciences
Classification: Benign for TONSL-related condition. Last evaluated: 2019-11-12. Review status: no assertion criteria provided. Collection method: clinical testing. Allele origin: germline. Not counted in ClinVar's aggregate classification.
Comment: This variant is classified as benign based on ACMG/AMP sequence variant interpretation guidelines (Richards et al. 2015 PMID: 25741868, with internal and published modifications).

NM_013432.5(TONSL):c.3827C>T (p.Pro1276Leu)

Gene: TONSL (tonsoku like, DNA repair protein; minus strand). Cytogenetic location: 8q24.3.
Variant type: single nucleotide variant.
Coding change: c.3827C>T on transcript NM_013432.5 (MANE Select); coding-DNA position 3827, C replaced by T.
Protein change: p.Pro1276Leu; replaces proline 1276 with leucine.
Molecular consequence: missense variant.
Genome position (GRCh38, 1-based): chr8:144,430,520, G>A on the plus strand (C>T on the coding strand, the complement: TONSL is on the minus strand). VCF-style: chr8-144430520-G-A. GRCh37 (hg19) VCF-style: chr8-145655903-G-A.
Other names: c.3827C>T (NM_013432.4); short protein forms P1276L.
Identifiers: ClinVar variation 1164724 (VCV001164724.10), dbSNP rs4925856, ClinGen allele CA4942354.